The following is an entry in ClinVar:

NM_001267550.2(TTN):c.71158A>G (p.Thr23720Ala)

Genes: TTN (titin; minus strand), TTN-AS1 (TTN antisense RNA 1; plus strand). Cytogenetic location: 2q31.2.
Variant type: single nucleotide variant.
Coding change: c.71158A>G on transcript NM_001267550.2 (MANE Select); coding-DNA position 71158, A replaced by G.
Protein change: p.Thr23720Ala; replaces threonine 23720 with alanine.
Molecular consequence: missense variant.
Genome position (GRCh38, 1-based): chr2:178,574,974, T>C on the plus strand (A>G on the coding strand, the complement: TTN is on the minus strand). VCF-style: chr2-178574974-T-C. GRCh37 (hg19) VCF-style: chr2-179439701-T-C.
Other names: c.66235A>G, p.Thr22079Ala (NM_001256850.1); c.43963A>G, p.Thr14655Ala (NM_003319.4); c.63454A>G, p.Thr21152Ala (NM_133378.4); c.44338A>G, p.Thr14780Ala (NM_133432.3); c.44539A>G, p.Thr14847Ala (NM_133437.4); short protein forms T14655A, T21152A, T23720A, T14780A, T14847A, T22079A.
Identifiers: ClinVar variation 1740255 (VCV001740255.2), dbSNP rs1709538154, ClinGen allele CA349659116.

ClinVar aggregate classification (germline): Uncertain significance (1 of 4 stars; one submission).

Conditions:
Cardiovascular phenotype. Identifiers: MedGen CN230736.

Submission:

Ambry Genetics
Classification: Uncertain significance for Cardiovascular phenotype. Last evaluated: 2019-10-08. Review status: criteria provided, single submitter. Criteria: Ambry Variant Classification Scheme 2023. Collection method: clinical testing. Allele origin: germline.
Comment: The p.T14655A variant (also known as c.43963A>G), located in coding exon 153 of the TTN gene, results from an A to G substitution at nucleotide position 43963. The threonine at codon 14655 is replaced by alanine, an amino acid with similar properties. This amino acid position is highly conserved in available vertebrate species. In addition, this alteration is predicted to be tolerated by in silico analysis. Since supporting evidence is limited at this time, the clinical significance of this alteration remains unclear.